The following is an entry in ClinVar:

ClinVar aggregate classification (germline): Likely pathogenic (1 of 4 stars; one submission).

Conditions:
Juvenile polyposis/hereditary hemorrhagic telangiectasia syndrome (JPHT). Also called: Juvenile Polyposis Syndrome / Hereditary Hemorrhagic Telangiectasia (JPS/HHT); JP/HHT SYNDROME; JUVENILE POLYPOSIS WITH HEREDITARY HEMORRHAGIC TELANGIECTASIA; POLYPOSIS, GENERALIZED JUVENILE, WITH PULMONARY ARTERIOVENOUS MALFORMATION; TELANGIECTASIA, HEREDITARY HEMORRHAGIC, WITH JUVENILE POLYPOSIS COLI. Identifiers: Orphanet 2929, MedGen C1832942, MONDO:0008278, OMIM 175050.

Submission:

Myriad Genetics, Inc.
Classification: Likely pathogenic for Juvenile polyposis/hereditary hemorrhagic telangiectasia syndrome. Last evaluated: 2024-02-09. Review status: criteria provided, single submitter. Criteria: Myriad Autosomal Dominant, Autosomal Recessive and X-Linked Classification Criteria (2023). Collection method: clinical testing. Allele origin: unknown.
Comment: This variant is considered likely pathogenic. This variant occurs within a consensus splice junction and is predicted to result in abnormal mRNA splicing of either an out-of-frame exon or an in-frame exon necessary for protein stability and/or normal function.

NM_005359.6(SMAD4):c.1309-2A>G

Gene: SMAD4 (SMAD family member 4; plus strand). Cytogenetic location: 18q21.2.
Variant type: single nucleotide variant.
Coding change: c.1309-2A>G on transcript NM_005359.6 (MANE Select); the canonical splice acceptor site of the intron before coding-DNA position 1309, A replaced by G.
Molecular consequence: splice acceptor variant.
Genome position (GRCh38, 1-based): chr18:51,076,636, A>G. VCF-style: chr18-51076636-A-G. GRCh37 (hg19) VCF-style: chr18-48603006-A-G.
Other names: c.1309-2A>G (NM_001407042.1, NM_001407041.1).
Identifiers: ClinVar variation 3148510 (VCV003148510.1), dbSNP rs2144473450, ClinGen allele CA402465093.